The following is an entry in ClinVar:

ClinVar aggregate classification (germline): Uncertain significance (1 of 4 stars; one submission).

Allele frequency attached by ClinVar (database versions not stated): gnomAD exomes below 0.00001; TOPMed below 0.00001.
gnomAD v4.1: 2 of 1,614,024 alleles (0.00012%); highest among the groups gnomAD compares: East Asian, 0.0022%; no homozygotes.

Submission:

Ambry Genetics
Classification: Uncertain significance. Last evaluated: 2024-02-02. Review status: criteria provided, single submitter. Criteria: Ambry Variant Classification Scheme 2023. Collection method: clinical testing. Allele origin: germline.
Comment: The p.P51R variant (also known as c.152C>G), located in coding exon 1 of the EGLN2 gene, results from a C to G substitution at nucleotide position 152. The proline at codon 51 is replaced by arginine, an amino acid with dissimilar properties. This amino acid position is conserved. In addition, this alteration is predicted to be tolerated by in silico analysis. Since supporting evidence is limited at this time, the clinical significance of this alteration remains unclear.

NM_080732.4(EGLN2):c.152C>G (p.Pro51Arg)

Genes: EGLN2 (egl-9 family hypoxia inducible factor 2; plus strand), RAB4B-EGLN2 (RAB4B-EGLN2 readthrough (NMD candidate); plus strand). Cytogenetic location: 19q13.2.
Variant type: single nucleotide variant.
Coding change: c.152C>G on transcript NM_080732.4 (MANE Select); coding-DNA position 152, C replaced by G.
Protein change: p.Pro51Arg; replaces proline 51 with arginine.
Molecular consequence: missense variant. On other transcripts: non-coding transcript variant (1).
Genome position (GRCh38, 1-based): chr19:40,800,724, C>G. VCF-style: chr19-40800724-C-G. GRCh37 (hg19) VCF-style: chr19-41306629-C-G.
Other names: c.152C>G, p.Pro51Arg (NM_053046.4); short protein forms P51R.
Identifiers: ClinVar variation 1774589 (VCV001774589.2), dbSNP rs1489797900, ClinGen allele CA405954669.